The following is an entry in ClinVar:

NM_004836.7(EIF2AK3):c.1197A>G (p.Ser399=)

Gene: EIF2AK3 (eukaryotic translation initiation factor 2 alpha kinase 3; minus strand). Cytogenetic location: 2p11.2.
Variant type: single nucleotide variant.
Coding change: c.1197A>G on transcript NM_004836.7 (MANE Select); coding-DNA position 1197, A replaced by G.
Protein change: p.Ser399=; no amino-acid change (serine 399 retained).
Molecular consequence: synonymous variant.
Genome position (GRCh38, 1-based): chr2:88,588,870, T>C on the plus strand (A>G on the coding strand, the complement: EIF2AK3 is on the minus strand). VCF-style: chr2-88588870-T-C. GRCh37 (hg19) VCF-style: chr2-88888388-T-C.
Other names: c.744A>G, p.Ser248= (NM_001313915.2).
Identifiers: ClinVar variation 3026628 (VCV003026628.22), dbSNP rs2529165667, ClinGen allele CA427174210.

ClinVar aggregate classification (germline): Likely benign (1 of 4 stars; one submission).

Allele frequency attached by ClinVar (database versions not stated): gnomAD exomes below 0.00001.
gnomAD v4.1: 1 of 1,613,878 alleles (0.000062%); highest among the groups gnomAD compares: Middle Eastern, 0.017%; no homozygotes.

Submission:

CeGaT Center for Human Genetics Tuebingen
Classification: Likely benign. Last evaluated: 2023-12-01. Review status: criteria provided, single submitter. Criteria: CeGaT Center For Human Genetics Tuebingen Variant Classification Criteria Version 2. Collection method: clinical testing. Allele origin: germline. Affected: yes. Observed: 1 variant allele.
Comment: EIF2AK3: PM2:Supporting, BP4, BP7